The following is an entry in ClinVar:

NM_001127208.3(TET2):c.1132G>C (p.Gly378Arg)

Genes: TET2 (tet methylcytosine dioxygenase 2; plus strand), TET2-AS1 (TET2 antisense RNA 1; minus strand). Cytogenetic location: 4q24.
Variant type: single nucleotide variant.
Coding change: c.1132G>C on transcript NM_001127208.3 (MANE Select); coding-DNA position 1132, G replaced by C.
Protein change: p.Gly378Arg; replaces glycine 378 with arginine.
Molecular consequence: missense variant.
Genome position (GRCh38, 1-based): chr4:105,235,074, G>C. VCF-style: chr4-105235074-G-C. GRCh37 (hg19) VCF-style: chr4-106156231-G-C.
Other names: c.1132G>C, p.Gly378Arg (NM_017628.4); short protein forms G378R.
Identifiers: ClinVar variation 3455368 (VCV003455368.4).

ClinVar aggregate classification (germline): Uncertain significance. Review status: criteria provided, multiple submitters, no conflicts (2 of 4 stars). 2 submissions from 2 submitters: Uncertain significance (2). Last evaluated 2025-11-17.

gnomAD v4.1: 101 of 1,614,010 alleles (0.0063%); highest among the groups gnomAD compares: Non-Finnish European, 0.0084%; no homozygotes.

Submissions (2):

Labcorp Genetics (formerly Invitae), Labcorp
Classification: Uncertain significance. Last evaluated: 2025-11-17. Review status: criteria provided, single submitter. Criteria: Invitae Variant Classification Sherloc (09022015). Collection method: clinical testing. Allele origin: germline.
Comment: This sequence change replaces glycine, which is neutral and non-polar, with arginine, which is basic and polar, at codon 378 of the TET2 protein (p.Gly378Arg). This variant is present in population databases (rs748758551, gnomAD 0.009%). This variant has not been reported in the literature in individuals affected with TET2-related conditions. ClinVar contains an entry for this variant (Variation ID: 3455368). An algorithm developed to predict the effect of missense changes on protein structure and function (PolyPhen-2) suggests that this variant is likely to be disruptive. In summary, the available evidence is currently insufficient to determine the role of this variant in disease. Therefore, it has been classified as a Variant of Uncertain Significance.

Ambry Genetics
Classification: Uncertain significance. Last evaluated: 2025-08-31. Review status: criteria provided, single submitter. Criteria: Ambry Variant Classification Scheme 2023. Collection method: clinical testing. Allele origin: germline.